The following is an entry in ClinVar:

NM_015692.5(CPAMD8):c.1296T>C (p.Pro432=)

Gene: CPAMD8 (C3 and PZP like alpha-2-macroglobulin domain containing 8; minus strand). Cytogenetic location: 19p13.11.
Variant type: single nucleotide variant.
Coding change: c.1296T>C on transcript NM_015692.5 (MANE Select); coding-DNA position 1296, T replaced by C.
Protein change: p.Pro432=; no amino-acid change (proline 432 retained).
Molecular consequence: synonymous variant.
Genome position (GRCh38, 1-based): chr19:16,989,742, A>G on the plus strand (T>C on the coding strand, the complement: CPAMD8 is on the minus strand). VCF-style: chr19-16989742-A-G. GRCh37 (hg19) VCF-style: chr19-17100552-A-G.
Identifiers: ClinVar variation 1225302 (VCV001225302.15), dbSNP rs1973093, ClinGen allele CA9285758.

ClinVar aggregate classification (germline): Benign. Review status: criteria provided, multiple submitters, no conflicts (2 of 4 stars). 5 submissions from 5 submitters: Benign (4). 1 of the submissions does not count toward it. Last evaluated 2026-02-02.

Conditions:
CPAMD8-related disorder. Also called: CPAMD8-related condition.

Allele frequency attached by ClinVar (database versions not stated): gnomAD exomes 0.50473; ExAC 0.51333; gnomAD 0.57708 and 0.58333; ESP Exome Variant Server 0.58026; TOPMed 0.59175; 1000 Genomes Project 0.60843; 1000 Genomes Project 30x 0.61149.
gnomAD v4.1: 793,025 of 1,613,178 alleles (49%); highest among the groups gnomAD compares: African/African-American, 80%; 200,727 homozygotes.

Submissions (5):

Labcorp Genetics (formerly Invitae), Labcorp
Classification: Benign. Last evaluated: 2026-02-02. Review status: criteria provided, single submitter. Criteria: Invitae Variant Classification Sherloc (09022015). Collection method: clinical testing. Allele origin: germline.

Blueprint Genetics
Classification: Benign. Last evaluated: 2024-11-28. Review status: criteria provided, single submitter. Criteria: ACMG Guidelines, 2015. Collection method: clinical testing. Allele origin: germline.

GeneDx
Classification: Benign. Last evaluated: 2021-05-04. Review status: criteria provided, single submitter. Criteria: GeneDx Variant Classification Process June 2021. Collection method: clinical testing. Allele origin: germline. Affected: yes.

Breakthrough Genomics
Classification: Benign. Review status: criteria provided, single submitter. Criteria: ACMG Guidelines, 2015. Collection method: not provided. Allele origin: germline. Inheritance: Autosomal recessive inheritance. Affected: yes.

PreventionGenetics, part of Exact Sciences
Classification: Benign for CPAMD8-related condition. Last evaluated: 2019-03-05. Review status: no assertion criteria provided. Collection method: clinical testing. Allele origin: germline. Not counted in ClinVar's aggregate classification.
Comment: This variant is classified as benign based on ACMG/AMP sequence variant interpretation guidelines (Richards et al. 2015 PMID: 25741868, with internal and published modifications).